The following is an entry in ClinVar:

ClinVar aggregate classification (germline): Likely benign. Review status: criteria provided, multiple submitters, no conflicts (2 of 4 stars). 2 submissions from 2 submitters: Likely benign (2). Last evaluated 2017-04-27.

Conditions:
Charcot-Marie-Tooth disease type 4D. Also called: CHARCOT-MARIE-TOOTH DISEASE, DEMYELINATING, AUTOSOMAL RECESSIVE, TYPE 4D; NEUROPATHY, HEREDITARY MOTOR AND SENSORY, LOM TYPE; Charcot-Marie-Tooth Neuropathy Type 4D; CHARCOT-MARIE-TOOTH DISEASE, DEMYELINATING, TYPE 4D. Identifiers: Orphanet 99950, MedGen C1832334, MONDO:0011085, OMIM 601455.

Allele frequency attached by ClinVar (database versions not stated): gnomAD exomes 0.00640; gnomAD 0.02779 and 0.02986; 1000 Genomes Project 0.02935; 1000 Genomes Project 30x 0.03014; TOPMed 0.03181.
gnomAD v4.1: 4,728 of 229,598 alleles (2.1%); highest among the groups gnomAD compares: African/African-American, 9.4%; 182 homozygotes.

Submissions (2):

Illumina Laboratory Services, Illumina
Classification: Likely benign for Charcot-Marie-Tooth disease type 4D. Last evaluated: 2017-04-27. Review status: criteria provided, single submitter. Criteria: ICSL Variant Classification Criteria 13 December 2019. Collection method: clinical testing. Allele origin: germline.
Comment: This variant was observed as part of a predisposition screen in an ostensibly healthy population. A literature search was performed for the gene, cDNA change, and amino acid change (where applicable). No publications were found based on this search. Allele frequency data from public databases allowed determination this variant is unlikely to cause disease. Therefore, this variant is classified as likely benign.

Breakthrough Genomics
Classification: Likely benign. Review status: criteria provided, single submitter. Criteria: ACMG Guidelines, 2015. Collection method: not provided. Allele origin: germline. Inheritance: Autosomal recessive inheritance. Affected: yes.

NM_006096.4(NDRG1):c.*1622T>G

Gene: NDRG1 (N-myc downstream regulated 1; minus strand). Cytogenetic location: 8q24.22.
Variant type: single nucleotide variant.
Coding change: c.*1622T>G on transcript NM_006096.4 (MANE Select); 1622 bases downstream of the stop codon, T replaced by G.
Molecular consequence: 3 prime UTR variant.
Genome position (GRCh38, 1-based): chr8:133,237,256, A>C on the plus strand (T>G on the coding strand, the complement: NDRG1 is on the minus strand). VCF-style: chr8-133237256-A-C. GRCh37 (hg19) VCF-style: chr8-134249499-A-C.
Other names: c.*1622T>G (NM_001135242.2, NM_001258432.2, NM_001258433.2 and 4 more transcripts).
Identifiers: ClinVar variation 362008 (VCV000362008.6), dbSNP rs7825439, ClinGen allele CA10630345.